The following is an entry in ClinVar:

NM_000037.4(ANK1):c.129+5G>C

Gene: ANK1 (ankyrin 1; minus strand). Cytogenetic location: 8p11.21.
Variant type: single nucleotide variant.
Coding change: c.129+5G>C on transcript NM_000037.4 (MANE Select); 5 bases into the intron after coding-DNA position 129, G replaced by C.
Molecular consequence: intron variant.
Genome position (GRCh38, 1-based): chr8:41,758,031, C>G on the plus strand (G>C on the coding strand, the complement: ANK1 is on the minus strand). VCF-style: chr8-41758031-C-G. GRCh37 (hg19) VCF-style: chr8-41615549-C-G.
Other names: p.?; c.228+5G>C (NM_001142446.2); c.129+5G>C (NM_020477.3, NM_020475.3, NM_020476.3).
Identifiers: ClinVar variation 3766535 (VCV003766535.2).
Genomic context (GRCh38, chr8:41,758,031, plus strand): 5'-TCAGGAAATGGCATCAGGCAAGAGCTACTCTTCAGAGACAACAGGCCTGCCTCCATCCCA[C>G]TTACCTGGTTACAGGTGTTAATATCTACCCCATTCCGCAGGTGATCCAAAGCTTTGTCCA-3'

ClinVar aggregate classification (germline): Uncertain significance. Review status: criteria provided, multiple submitters, no conflicts (2 of 4 stars). 2 submissions from 2 submitters: Uncertain significance (2). Last evaluated 2025-03-19.

Conditions:
Hereditary spherocytosis type 1. Also called: Spherocytosis type 1; ANK1-Related Spherocytosis. Identifiers: Orphanet 822, MedGen C2674218, MONDO:0008447, OMIM 182900.

Submissions (2):

Mayo Clinic Laboratories, Mayo Clinic
Classification: Uncertain significance. Last evaluated: 2025-03-19. Review status: criteria provided, single submitter. Criteria: ACMG Guidelines, 2015. Collection method: clinical testing. Allele origin: germline. Observed: 3 variant alleles.
Comment: PM2_moderate

ARUP Laboratories, Molecular Genetics and Genomics, ARUP Laboratories
Classification: Uncertain significance for Hereditary spherocytosis type 1. Last evaluated: 2024-03-27. Review status: criteria provided, single submitter. Criteria: ARUP Molecular Germline Variant Investigation Process 2024. Collection method: clinical testing. Allele origin: germline.